The following is an entry in ClinVar:

NM_032043.3(BRIP1):c.659C>T (p.Ser220Phe)

Gene: BRIP1 (BRCA1 interacting DNA helicase 1; minus strand). Cytogenetic location: 17q23.2.
Variant type: single nucleotide variant.
Coding change: c.659C>T on transcript NM_032043.3 (MANE Select); coding-DNA position 659, C replaced by T.
Protein change: p.Ser220Phe; replaces serine 220 with phenylalanine.
Molecular consequence: missense variant.
Genome position (GRCh38, 1-based): chr17:61,808,726, G>A on the plus strand (C>T on the coding strand, the complement: BRIP1 is on the minus strand). VCF-style: chr17-61808726-G-A. GRCh37 (hg19) VCF-style: chr17-59886087-G-A.
Other names: short protein forms S220F.
Identifiers: ClinVar variation 4789115 (VCV004789115.1).

ClinVar aggregate classification (germline): Uncertain significance (1 of 4 stars; one submission).

Conditions:
Fanconi anemia complementation group J. Also called: BRIP1-Related Fanconi Anemia. Identifiers: Orphanet 84, MedGen C1836860, MONDO:0012187, OMIM 609054.
Familial cancer of breast. Also called: BREAST CANCER, FAMILIAL; Hereditary breast cancer; hereditary breast carcinoma. Identifiers: Orphanet 227535, MedGen C0346153, MONDO:0016419, OMIM 114480. Disease mechanism: loss of function.

gnomAD v4.1: 1 of 1,613,530 alleles (0.000062%); highest among the groups gnomAD compares: Admixed American, 0.0017%; no homozygotes.

Submission:

Labcorp Genetics (formerly Invitae), Labcorp
Classification: Uncertain significance for Familial cancer of breast; Fanconi anemia complementation group J. Last evaluated: 2025-10-29. Review status: criteria provided, single submitter. Criteria: Invitae Variant Classification Sherloc (09022015). Collection method: clinical testing. Allele origin: germline.
Comment: This sequence change replaces serine, which is neutral and polar, with phenylalanine, which is neutral and non-polar, at codon 220 of the BRIP1 protein (p.Ser220Phe). This variant is present in population databases (no rsID available, gnomAD 0.003%). This variant has not been reported in the literature in individuals affected with BRIP1-related conditions. Invitae Evidence Modeling of protein sequence and biophysical properties (such as structural, functional, and spatial information, amino acid conservation, physicochemical variation, residue mobility, and thermodynamic stability) indicates that this missense variant is not expected to disrupt BRIP1 protein function with a negative predictive value of 95%. In summary, the available evidence is currently insufficient to determine the role of this variant in disease. Therefore, it has been classified as a Variant of Uncertain Significance.